The following is an entry in ClinVar:

ClinVar aggregate classification (germline): Uncertain significance (1 of 4 stars; one submission).

Allele frequency attached by ClinVar (database versions not stated): TOPMed below 0.00001; ExAC 0.00001; gnomAD 0.00001; gnomAD exomes 0.00001 and 0.00002.
gnomAD v4.1: 9 of 1,612,858 alleles (0.00056%); highest among the groups gnomAD compares: Admixed American, 0.0067%; no homozygotes.

Submission:

Labcorp Genetics (formerly Invitae), Labcorp
Classification: Uncertain significance. Last evaluated: 2025-07-31. Review status: criteria provided, single submitter. Criteria: Invitae Variant Classification Sherloc (09022015). Collection method: clinical testing. Allele origin: germline.
Comment: This sequence change falls in intron 2 of the SNIP1 gene. It does not directly change the encoded amino acid sequence of the SNIP1 protein. It affects a nucleotide within the consensus splice site. This variant is present in population databases (rs781622787, gnomAD 0.01%). This variant has not been reported in the literature in individuals affected with SNIP1-related conditions. ClinVar contains an entry for this variant (Variation ID: 1418833). Variants that disrupt the consensus splice site are a relatively common cause of aberrant splicing (PMID: 17576681, 9536098). Algorithms developed to predict the effect of sequence changes on RNA splicing suggest that this variant is not likely to affect RNA splicing. In summary, the available evidence is currently insufficient to determine the role of this variant in disease. Therefore, it has been classified as a Variant of Uncertain Significance.

Literature cited by the submitters: PubMed 17576681; PubMed 9536098.

NM_024700.4(SNIP1):c.327+6T>C

Gene: SNIP1 (Smad nuclear interacting protein 1; minus strand). Cytogenetic location: 1p34.3.
Variant type: single nucleotide variant.
Coding change: c.327+6T>C on transcript NM_024700.4 (MANE Select); 6 bases into the intron after coding-DNA position 327, T replaced by C.
Molecular consequence: intron variant.
Genome position (GRCh38, 1-based): chr1:37,552,639, A>G on the plus strand (T>C on the coding strand, the complement: SNIP1 is on the minus strand). VCF-style: chr1-37552639-A-G. GRCh37 (hg19) VCF-style: chr1-38018240-A-G.
Identifiers: ClinVar variation 1418833 (VCV001418833.6), dbSNP rs781622787, ClinGen allele CA771374.